The following is an entry in ClinVar:

NM_004260.4(RECQL4):c.3313G>C (p.Gly1105Arg)

Gene: RECQL4 (RecQ like helicase 4; minus strand). Cytogenetic location: 8q24.3.
Variant type: single nucleotide variant.
Coding change: c.3313G>C on transcript NM_004260.4 (MANE Select); coding-DNA position 3313, G replaced by C.
Protein change: p.Gly1105Arg; replaces glycine 1105 with arginine.
Molecular consequence: missense variant.
Genome position (GRCh38, 1-based): chr8:144,511,991, C>G on the plus strand (G>C on the coding strand, the complement: RECQL4 is on the minus strand). VCF-style: chr8-144511991-C-G. GRCh37 (hg19) VCF-style: chr8-145737374-C-G.
Other names: short protein forms G1105R.
Identifiers: ClinVar variation 529037 (VCV000529037.10), dbSNP rs34915097, ClinGen allele CA4947822.
Genomic context (GRCh38, chr8:144,511,991, plus strand): 5'-GGCCCTGTGCGTCCTCCATGCCTCCCGGCTCCTGCCCTTCCTCTTCCTCAAAGTAGCGGC[C>G]GAGCAGGTCCTTGAGCCTGGTGCTGCGCTCCTCATCCTGCTGCTCCAGGCAGGGCCCGCA-3'
Protein context (NP_004251.4, residues 1095-1115): ERSTRLKDLL[Gly1105Arg]RYFEEEEGQE

ClinVar aggregate classification (germline): Uncertain significance. Review status: criteria provided, multiple submitters, no conflicts (2 of 4 stars). 2 submissions from 2 submitters: Uncertain significance (2). Last evaluated 2025-12-09.

Conditions:
Rothmund-Thomson syndrome type 2 (RTS2). Identifiers: Orphanet 221016, MedGen C5203410, MONDO:0016369, OMIM 268400.
Baller-Gerold syndrome (BGS). Also called: CRANIOSYNOSTOSIS WITH RADIAL DEFECTS. Identifiers: Orphanet 1225, MedGen C0265308, MONDO:0009039, OMIM 218600.

gnomAD v4.1: 98 of 1,610,458 alleles (0.0061%); highest among the groups gnomAD compares: East Asian, 0.22%; 1 homozygote.

Submissions (2):

Labcorp Genetics (formerly Invitae), Labcorp
Classification: Uncertain significance for Baller-Gerold syndrome. Last evaluated: 2025-12-09. Review status: criteria provided, single submitter. Criteria: Invitae Variant Classification Sherloc (09022015). Collection method: clinical testing. Allele origin: germline.
Comment: This sequence change replaces glycine, which is neutral and non-polar, with arginine, which is basic and polar, at codon 1105 of the RECQL4 protein (p.Gly1105Arg). This variant is present in population databases (rs34915097, gnomAD 0.04%). This variant has not been reported in the literature in individuals affected with RECQL4-related conditions. ClinVar contains an entry for this variant (Variation ID: 529037). Invitae Evidence Modeling of protein sequence and biophysical properties (such as structural, functional, and spatial information, amino acid conservation, physicochemical variation, residue mobility, and thermodynamic stability) indicates that this missense variant is not expected to disrupt RECQL4 protein function with a negative predictive value of 80%. In summary, the available evidence is currently insufficient to determine the role of this variant in disease. Therefore, it has been classified as a Variant of Uncertain Significance.

Baylor Genetics
Classification: Uncertain significance for Rothmund-Thomson syndrome type 2. Last evaluated: 2021-06-29. Review status: criteria provided, single submitter. Criteria: ACMG Guidelines, 2015. Collection method: clinical testing. Allele origin: unknown. Affected: yes. Study: CSER-TexasKidsCanSeq.
Comment: This variant was determined to be of uncertain significance according to ACMG Guidelines, 2015 [PMID:25741868].